The following is an entry in ClinVar:

NM_004204.5(PIGQ):c.91_106del (p.Val31fs)

Gene: PIGQ (phosphatidylinositol glycan anchor biosynthesis class Q; plus strand). Cytogenetic location: 16p13.3.
Variant type: Deletion.
Coding change: c.91_106del on transcript NM_004204.5 (MANE Select); coding-DNA positions 91 to 106, 16 bases deleted (GTGGTCCTGGCGGTCC).
Protein change: p.Val31fs; shifts the reading frame from valine 31.
Molecular consequence: frameshift variant.
Genome position (GRCh38, 1-based): chr16:574,165-574,180, GTGGTCCTGGCGGTCC deleted; deleting any 16 consecutive bases within chr16:574,163-574,180 gives the same sequence; the c. name uses the placement nearest the transcript's 3' end. VCF-style (leftmost placement, unchanged base first): chr16-574162-GCCGTGGTCCTGGCGGT-G. GRCh37 (hg19) VCF-style: chr16-624162-GCCGTGGTCCTGGCGGT-G.
Other names: c.91_106del, p.Val31fs (NM_148920.4); short protein forms V31fs.
Identifiers: ClinVar variation 1369604 (VCV001369604.6), dbSNP rs1567174597, ClinGen allele CA620191047.

ClinVar aggregate classification (germline): Pathogenic (1 of 4 stars; one submission).

Conditions:
Epilepsy. Also called: Seizure disorder. Identifiers: MedGen C0014544, MeSH D004827, MONDO:0005027.

Submission:

Labcorp Genetics (formerly Invitae), Labcorp
Classification: Pathogenic for Epilepsy. Last evaluated: 2025-10-13. Review status: criteria provided, single submitter. Criteria: Invitae Variant Classification Sherloc (09022015). Collection method: clinical testing. Allele origin: germline.
Comment: This sequence change creates a premature translational stop signal (p.Val31Cysfs*134) in the PIGQ gene. It is expected to result in an absent or disrupted protein product. Loss-of-function variants in PIGQ are known to be pathogenic (PMID: 24463883, 25558065). This variant is present in population databases (no rsID available, gnomAD 0.0009%). This variant has not been reported in the literature in individuals affected with PIGQ-related conditions. ClinVar contains an entry for this variant (Variation ID: 1369604). For these reasons, this variant has been classified as Pathogenic.

Literature cited by the submitters: PubMed 24463883; PubMed 25558065.